The following is an entry in ClinVar:

NM_005228.5(EGFR):c.2346C>T (p.Leu782=)

Genes: EGFR (epidermal growth factor receptor; plus strand), EGFR-AS1 (EGFR antisense RNA 1; minus strand). Cytogenetic location: 7p11.2.
Variant type: single nucleotide variant.
Coding change: c.2346C>T on transcript NM_005228.5 (MANE Select); coding-DNA position 2346, C replaced by T.
Protein change: p.Leu782=; no amino-acid change (leucine 782 retained).
Molecular consequence: synonymous variant. On other transcripts: non-coding transcript variant (1).
Genome position (GRCh38, 1-based): chr7:55,181,355, C>T. VCF-style: chr7-55181355-C-T. GRCh37 (hg19) VCF-style: chr7-55249048-C-T.
Other names: c.2346C>T (NM_005228.3); c.2211C>T, p.Leu737= (NM_001346897.2, NM_001346899.2); c.2346C>T, p.Leu782= (NM_001346898.2); c.2187C>T, p.Leu729= (NM_001346900.2); c.1545C>T, p.Leu515= (NM_001346941.2).
Identifiers: ClinVar variation 1593573 (VCV001593573.10), dbSNP rs1786864166, ClinGen allele CA455165133.
Genomic context (GRCh38, chr7:55,181,355, plus strand): 5'-AGCCTACGTGATGGCCAGCGTGGACAACCCCCACGTGTGCCGCCTGCTGGGCATCTGCCT[C>T]ACCTCCACCGTGCAGCTCATCACGCAGCTCATGCCCTTCGGCTGCCTCCTGGACTATGTC-3'
Protein context (NP_005219.2, residues 772-792): PHVCRLLGIC[Leu782=]TSTVQLITQL

ClinVar aggregate classification (germline): Benign/Likely benign. Review status: criteria provided, multiple submitters, no conflicts (2 of 4 stars). 3 submissions from 3 submitters: Benign (1); Likely benign (2). Last evaluated 2025-07-31.

Conditions:
Lung cancer. Also called: Malignant tumor of lung; Lung cancer, somatic. Identifiers: MedGen C0242379, MONDO:0008903, OMIM 211980.
EGFR-related lung cancer (EGFR). Identifiers: MedGen CN130014.
Hereditary cancer-predisposing syndrome. Also called: Tumor predisposition; Hereditary neoplastic syndrome; Neoplastic Syndromes, Hereditary; Hereditary Cancer Syndrome. Identifiers: Orphanet 140162, MedGen C0027672, MeSH D009386, MONDO:0015356.

gnomAD v4.1: 3 of 1,614,234 alleles (0.00019%); highest among the groups gnomAD compares: African/African-American, 0.0013%; no homozygotes.

Submissions (3):

Labcorp Genetics (formerly Invitae), Labcorp
Classification: Likely benign for EGFR-related lung cancer. Last evaluated: 2025-07-31. Review status: criteria provided, single submitter. Criteria: Invitae Variant Classification Sherloc (09022015). Collection method: clinical testing. Allele origin: germline.

Myriad Genetics, Inc.
Classification: Benign for Lung cancer. Last evaluated: 2024-10-16. Review status: criteria provided, single submitter. Criteria: Myriad Autosomal Dominant, Autosomal Recessive and X-Linked Classification Criteria (2023). Collection method: clinical testing. Allele origin: unknown.
Comment: This variant is considered benign. This variant is a silent/synonymous amino acid change and it is not expected to impact splicing.

Ambry Genetics
Classification: Likely benign for Hereditary cancer-predisposing syndrome. Last evaluated: 2024-05-04. Review status: criteria provided, single submitter. Criteria: Ambry Variant Classification Scheme 2023. Collection method: clinical testing. Allele origin: germline.